The following is an entry in ClinVar:

ClinVar aggregate classification (germline): Benign/Likely benign. Review status: criteria provided, multiple submitters, no conflicts (2 of 4 stars). 9 submissions from 9 submitters: Benign (4); Likely benign (5). Last evaluated 2026-01-14.

Conditions:
AXIN2-related disorder.
Hereditary cancer-predisposing syndrome. Also called: Neoplastic Syndromes, Hereditary; Tumor predisposition; Hereditary neoplastic syndrome; Hereditary Cancer Syndrome. Identifiers: Orphanet 140162, MedGen C0027672, MeSH D009386, MONDO:0015356.
Oligodontia-cancer predisposition syndrome. Also called: TOOTH AGENESIS-COLORECTAL CANCER SYNDROME. Identifiers: Orphanet 300576, MedGen C1837750, MONDO:0012075, OMIM 608615. Disease mechanism: loss of function.

Allele frequency attached by ClinVar (database versions not stated): gnomAD 0.00006 and 0.00009; ESP Exome Variant Server 0.00008; TOPMed 0.00009; gnomAD exomes 0.00011 and 0.00019; ExAC 0.00017; 1000 Genomes Project 30x 0.00031; 1000 Genomes Project 0.00040.
gnomAD v4.1: 182 of 1,613,834 alleles (0.011%); highest among the groups gnomAD compares: South Asian, 0.098%; no homozygotes.

Submissions (9):

Labcorp Genetics (formerly Invitae), Labcorp
Classification: Likely benign for Oligodontia-cancer predisposition syndrome. Last evaluated: 2026-01-14. Review status: criteria provided, single submitter. Criteria: Invitae Variant Classification Sherloc (09022015). Collection method: clinical testing. Allele origin: germline.

PreventionGenetics, part of Exact Sciences
Classification: Likely benign for AXIN2-related condition. Last evaluated: 2025-10-21. Review status: criteria provided, single submitter. Criteria: ACMG Guidelines, 2015. Collection method: clinical testing. Allele origin: germline.
Comment: This variant is classified as likely benign based on ACMG/AMP sequence variant interpretation guidelines (Richards et al. 2015 PMID: 25741868, with internal and published modifications).

Center for Genomic Medicine, Rigshospitalet, Copenhagen University Hospital
Classification: Likely benign. Last evaluated: 2025-03-04. Review status: criteria provided, single submitter. Criteria: ACMG Guidelines, 2015. Collection method: clinical testing. Allele origin: germline.

Blueprint Genetics
Classification: Likely benign. Last evaluated: 2024-08-15. Review status: criteria provided, single submitter. Criteria: ACMG Guidelines, 2015. Collection method: clinical testing. Allele origin: germline.

Myriad Genetics, Inc.
Classification: Likely benign for Oligodontia-cancer predisposition syndrome. Last evaluated: 2024-07-10. Review status: criteria provided, single submitter. Criteria: Myriad Autosomal Dominant, Autosomal Recessive and X-Linked Classification Criteria (2023). Collection method: clinical testing. Allele origin: unknown.
Comment: This variant is considered likely benign. This variant is intronic and is not expected to impact mRNA splicing.

Quest Diagnostics Nichols Institute San Juan Capistrano
Classification: Benign. Last evaluated: 2023-07-28. Review status: criteria provided, single submitter. Criteria: Quest Diagnostics criteria. Collection method: clinical testing. Allele origin: unknown.

Ambry Genetics
Classification: Benign for Hereditary cancer-predisposing syndrome. Last evaluated: 2021-11-22. Review status: criteria provided, single submitter. Criteria: Ambry Variant Classification Scheme 2023. Collection method: clinical testing. Allele origin: germline.

Sema4
Classification: Benign for Hereditary cancer-predisposing syndrome. Last evaluated: 2021-04-05. Review status: criteria provided, single submitter. Criteria: Sema4 Curation Guidelines. Collection method: curation. Allele origin: germline.

GeneDx
Classification: Benign. Last evaluated: 2014-08-28. Review status: criteria provided, single submitter. Criteria: GeneDx Variant Classification (06012015). Collection method: clinical testing. Allele origin: germline. Affected: yes.
Comment: This variant is considered likely benign or benign based on one or more of the following criteria: it is a conservative change, it occurs at a poorly conserved position in the protein, it is predicted to be benign by multiple in silico algorithms, and/or has population frequency not consistent with disease.

Literature cited by the submitters: PubMed 21294210 (cited by Quest Diagnostics Nichols Institute San Juan Capistrano); PubMed 36071541 (cited by Quest Diagnostics Nichols Institute San Juan Capistrano); PubMed 33193653 (cited by Quest Diagnostics Nichols Institute San Juan Capistrano).

NM_004655.4(AXIN2):c.2237+3G>A

Gene: AXIN2 (axin 2; minus strand). Cytogenetic location: 17q24.1.
Variant type: single nucleotide variant.
Coding change: c.2237+3G>A on transcript NM_004655.4 (MANE Select); 3 bases into the intron after coding-DNA position 2237, G replaced by A.
Molecular consequence: intron variant.
Genome position (GRCh38, 1-based): chr17:65,535,623, C>T on the plus strand (G>A on the coding strand, the complement: AXIN2 is on the minus strand). VCF-style: chr17-65535623-C-T. GRCh37 (hg19) VCF-style: chr17-63531741-C-T.
Other names: c.2237+3G>A (LRG_296t1); c.2042+3G>A (NM_001363813.1).
Identifiers: ClinVar variation 182019 (VCV000182019.22), dbSNP rs376584101, ClinGen allele CA298418.